The following is an entry in ClinVar:

ClinVar aggregate classification (germline): Uncertain significance. Review status: criteria provided, multiple submitters, no conflicts (2 of 4 stars). 2 submissions from 2 submitters: Uncertain significance (2). Last evaluated 2022-10-14.

Allele frequency attached by ClinVar (database versions not stated): gnomAD 0.00002.
gnomAD v4.1: 4 of 1,613,912 alleles (0.00025%); highest among the groups gnomAD compares: South Asian, 0.0011%; no homozygotes.

Submissions (2):

GeneDx
Classification: Uncertain significance. Last evaluated: 2022-10-14. Review status: criteria provided, single submitter. Criteria: GeneDx Variant Classification Process June 2021. Collection method: clinical testing. Allele origin: germline. Affected: yes.
Comment: Not observed at significant frequency in large population cohorts (gnomAD); In silico analysis supports that this missense variant does not alter protein structure/function; Has not been previously published as pathogenic or benign to our knowledge

Labcorp Genetics (formerly Invitae), Labcorp
Classification: Uncertain significance. Last evaluated: 2021-12-02. Review status: criteria provided, single submitter. Criteria: Invitae Variant Classification Sherloc (09022015). Collection method: clinical testing. Allele origin: germline.
Comment: This sequence change replaces isoleucine, which is neutral and non-polar, with valine, which is neutral and non-polar, at codon 205 of the FBXL4 protein (p.Ile205Val). This variant is present in population databases (no rsID available, gnomAD 0.007%). In summary, the available evidence is currently insufficient to determine the role of this variant in disease. Therefore, it has been classified as a Variant of Uncertain Significance. Algorithms developed to predict the effect of sequence changes on RNA splicing suggest that this variant may create or strengthen a splice site. Algorithms developed to predict the effect of missense changes on protein structure and function (SIFT, PolyPhen-2, Align-GVGD) all suggest that this variant is likely to be tolerated. This variant has not been reported in the literature in individuals affected with FBXL4-related conditions.

NM_001278716.2(FBXL4):c.613A>G (p.Ile205Val)

Gene: FBXL4 (F-box and leucine rich repeat protein 4; minus strand). Cytogenetic location: 6q16.2.
Variant type: single nucleotide variant.
Coding change: c.613A>G on transcript NM_001278716.2 (MANE Select); coding-DNA position 613, A replaced by G.
Protein change: p.Ile205Val; replaces isoleucine 205 with valine.
Molecular consequence: missense variant.
Genome position (GRCh38, 1-based): chr6:98,917,619, T>C on the plus strand (A>G on the coding strand, the complement: FBXL4 is on the minus strand). VCF-style: chr6-98917619-T-C. GRCh37 (hg19) VCF-style: chr6-99365495-T-C.
Other names: c.613A>G, p.Ile205Val (NM_012160.5); c.613A>G (NM_012160.3); short protein forms I205V.
Identifiers: ClinVar variation 1962427 (VCV001962427.6), dbSNP rs1055044734, ClinGen allele CA16021197.